The following is an entry in ClinVar:

ClinVar aggregate classification (germline): Uncertain significance (1 of 4 stars; one submission).

Allele frequency attached by ClinVar (database versions not stated): gnomAD exomes 0.00001.
gnomAD v4.1: 8 of 1,441,106 alleles (0.00056%); highest among the groups gnomAD compares: Non-Finnish European, 0.00077%; no homozygotes.

Submission:

Labcorp Genetics (formerly Invitae), Labcorp
Classification: Uncertain significance. Last evaluated: 2025-03-23. Review status: criteria provided, single submitter. Criteria: Invitae Variant Classification Sherloc (09022015). Collection method: clinical testing. Allele origin: germline.
Comment: This sequence change replaces threonine, which is neutral and polar, with alanine, which is neutral and non-polar, at codon 13 of the TNNI3K protein (p.Thr13Ala). This variant is not present in population databases (gnomAD no frequency). This variant has not been reported in the literature in individuals affected with TNNI3K-related conditions. ClinVar contains an entry for this variant (Variation ID: 3004573). Invitae Evidence Modeling of protein sequence and biophysical properties (such as structural, functional, and spatial information, amino acid conservation, physicochemical variation, residue mobility, and thermodynamic stability) indicates that this missense variant is not expected to disrupt TNNI3K protein function with a negative predictive value of 80%. In summary, the available evidence is currently insufficient to determine the role of this variant in disease. Therefore, it has been classified as a Variant of Uncertain Significance.

NM_015978.3(TNNI3K):c.37A>G (p.Thr13Ala)

Genes: FPGT-TNNI3K (FPGT-TNNI3K readthrough; plus strand), TNNI3K (TNNI3 interacting kinase; plus strand). Cytogenetic location: 1p31.1.
Variant type: single nucleotide variant.
Coding change: c.37A>G on transcript NM_015978.3 (MANE Select); coding-DNA position 37, A replaced by G.
Protein change: p.Thr13Ala; replaces threonine 13 with alanine.
Molecular consequence: missense variant. On other transcripts: intron variant (2).
Genome position (GRCh38, 1-based): chr1:74,235,488, A>G. VCF-style: chr1-74235488-A-G. GRCh37 (hg19) VCF-style: chr1-74701172-A-G.
Other names: c.344-614A>G (NM_001112808.3, NM_001199327.2); short protein forms T13A.
Identifiers: ClinVar variation 3004573 (VCV003004573.3), dbSNP rs1451279328, ClinGen allele CA340786835.
Genomic context (GRCh38, chr1:74,235,488, plus strand): 5'-GAGAAAGGAAGAAACTTATAATAAATGGGAAATTATAAATCTAGACCAACCCAAACTTGT[A>G]CTGGTAATTATTCTAATTATTCTTATTTCCTTAAGTGTAATATGGTTCAATTATAGTTAC-3'
Protein context (NP_057062.1, residues 3-23): NYKSRPTQTC[Thr13Ala]DEWKKKVSES